The following is an entry in ClinVar:

NM_001669.4(ARSD):c.497T>A (p.Leu166Gln)

Gene: ARSD (arylsulfatase D; minus strand). Cytogenetic location: Xp22.33.
Variant type: single nucleotide variant.
Coding change: c.497T>A on transcript NM_001669.4 (MANE Select); coding-DNA position 497, T replaced by A.
Protein change: p.Leu166Gln; replaces leucine 166 with glutamine.
Molecular consequence: missense variant.
Genome position (GRCh38, 1-based): chrX:2,918,170, A>T on the plus strand (T>A on the coding strand, the complement: ARSD is on the minus strand). VCF-style: chrX-2918170-A-T. GRCh37 (hg19) VCF-style: chrX-2836211-A-T.
Other names: c.497T>A, p.Leu166Gln (NM_009589.5); short protein forms L166Q.
Identifiers: ClinVar variation 3059005 (VCV003059005.2), dbSNP rs73632977, ClinGen allele CA10337816.

ClinVar aggregate classification (germline): Likely benign (0 of 4 stars; one submission).

Conditions:
ARSD-related disorder. Also called: ARSD-related condition.

Allele frequency attached by ClinVar (database versions not stated): gnomAD 0.00002; TOPMed 0.00003; gnomAD exomes 0.00005; ExAC 0.03883.
gnomAD v4.1: 58 of 1,193,670 alleles (0.0049%); highest among the groups gnomAD compares: Admixed American, 0.011%; no homozygotes.

Submission:

PreventionGenetics, part of Exact Sciences
Classification: Likely benign for ARSD-related condition. Last evaluated: 2020-07-31. Review status: no assertion criteria provided. Collection method: clinical testing. Allele origin: germline.
Comment: This variant is classified as likely benign based on ACMG/AMP sequence variant interpretation guidelines (Richards et al. 2015 PMID: 25741868, with internal and published modifications).